The following is an entry in ClinVar:

NM_001162501.2(TNRC6B):c.587A>T (p.Asp196Val)

Gene: TNRC6B (trinucleotide repeat containing adaptor 6B; plus strand). Cytogenetic location: 22q13.1.
Variant type: single nucleotide variant.
Coding change: c.587A>T on transcript NM_001162501.2 (MANE Select); coding-DNA position 587, A replaced by T.
Protein change: p.Asp196Val; replaces aspartic acid 196 with valine.
Molecular consequence: missense variant. On other transcripts: intron variant (1).
Genome position (GRCh38, 1-based): chr22:40,264,817, A>T. VCF-style: chr22-40264817-A-T. GRCh37 (hg19) VCF-style: chr22-40660821-A-T.
Other names: c.587A>T, p.Asp196Val (NM_015088.3); c.565+2644A>T (NM_001024843.2); short protein forms D196V.
Identifiers: ClinVar variation 2581736 (VCV002581736.3), dbSNP rs2517984566, ClinGen allele CA411627101.
Genomic context (GRCh38, chr22:40,264,817, plus strand): 5'-ACAACGGCACCTCCCCCAACCCAATTCACATCTGGGACAAGGTGATTGTAGACGGGTCTG[A>T]CATGGAAGAGTGGCCTTGTATTGCCAGCAAAGACACTGAATCTTCTTCCGAAAACACCAC-3'
Protein context (NP_001155973.1, residues 186-206): IWDKVIVDGS[Asp196Val]MEEWPCIASK

ClinVar aggregate classification (germline): Uncertain significance (1 of 4 stars; one submission).

Submission:

GeneDx
Classification: Uncertain significance. Last evaluated: 2025-10-04. Review status: criteria provided, single submitter. Criteria: GeneDx Variant Classification Process June 2021. Collection method: clinical testing. Allele origin: germline. Affected: yes.
Comment: Not observed at significant frequency in large population cohorts (gnomAD); In silico analysis supports that this missense variant has a deleterious effect on protein structure/function; Has not been previously published as pathogenic or benign to our knowledge